The following is an entry in ClinVar:

ClinVar aggregate classification (germline): Uncertain significance (1 of 4 stars; one submission).

Conditions:
Glycogen storage disease IXd (GSD9D). Also called: GSD IXd; Muscle Phosphorylase Kinase Deficiency. Identifiers: Orphanet 715, MedGen C1845151, MONDO:0010362, OMIM 300559.

gnomAD v4.1: 6 of 1,209,174 alleles (0.0005%); highest among the groups gnomAD compares: African/African-American, 0.0017%; no homozygotes.

Submission:

Clinical Omics and Informatics (COIN) Unit, Neuroscience Institute, University Of Cape Town
Classification: Uncertain significance for Glycogen storage disease IXd. Last evaluated: 2025-02-10. Review status: criteria provided, single submitter. Criteria: ACMG Guidelines, 2015. Collection method: research. Allele origin: germline. Inheritance: X-linked inheritance. Affected: yes. Observed: 1 variant allele, 1 hemizygote.
Comment: The highest population allele frequency in gnomAD v4.0 is 0.00001735 (1/57637 alleles in the African/African American population). The allele frequency in hemizygous males is 0.000002520 (1/396786 alleles). PP3_Strong: Revel score is 0.944. PM5 Not Met: A missense change affecting the same amino acid (p.Arg428Cys, c.1282 C>T) has been reported in a proband with glycogen storage disease IXd (ClinVar SCV001984244.1). Sequencing funded by the International Centre for Genomic Medicine in Neuromuscular Diseases (ICGNMD).

NM_002637.4(PHKA1):c.1283G>A (p.Arg428His)

Gene: PHKA1 (phosphorylase kinase regulatory subunit alpha 1; minus strand). Cytogenetic location: Xq13.1.
Variant type: single nucleotide variant.
Coding change: c.1283G>A on transcript NM_002637.4 (MANE Select); coding-DNA position 1283, G replaced by A.
Protein change: p.Arg428His; replaces arginine 428 with histidine.
Molecular consequence: missense variant.
Genome position (GRCh38, 1-based): chrX:72,650,431, C>T on the plus strand (G>A on the coding strand, the complement: PHKA1 is on the minus strand). VCF-style: chrX-72650431-C-T. GRCh37 (hg19) VCF-style: chrX-71870281-C-T.
Other names: c.1283G>A, p.Arg428His (NM_001122670.2, NM_001172436.2, NM_001431068.1); short protein forms R428H.
Identifiers: ClinVar variation 3340481 (VCV003340481.3), dbSNP rs1556298604.